The following is an entry in ClinVar:

NM_007272.3(CTRC):c.797T>G (p.Met266Arg)

Gene: CTRC (chymotrypsin C; plus strand). Cytogenetic location: 1p36.21.
Variant type: single nucleotide variant.
Coding change: c.797T>G on transcript NM_007272.3 (MANE Select); coding-DNA position 797, T replaced by G.
Protein change: p.Met266Arg; replaces methionine 266 with arginine.
Molecular consequence: missense variant.
Genome position (GRCh38, 1-based): chr1:15,446,579, T>G. VCF-style: chr1-15446579-T-G. GRCh37 (hg19) VCF-style: chr1-15773074-T-G.
Other names: short protein forms M266R.
Identifiers: ClinVar variation 1363121 (VCV001363121.8), dbSNP rs1708224626, ClinGen allele CA338568372.

ClinVar aggregate classification (germline): Uncertain significance (1 of 4 stars; one submission).

Conditions:
Hereditary pancreatitis (PCTT). Also called: Hereditary chronic pancreatitis; PRSS1-Related Hereditary Pancreatitis. Identifiers: Orphanet 676, MedGen C0238339, MONDO:0008185, OMIM 167800.

Submission:

Labcorp Genetics (formerly Invitae), Labcorp
Classification: Uncertain significance for Hereditary pancreatitis. Last evaluated: 2021-04-24. Review status: criteria provided, single submitter. Criteria: Invitae Variant Classification Sherloc (09022015). Collection method: clinical testing. Allele origin: germline.
Comment: In summary, the available evidence is currently insufficient to determine the role of this variant in disease. Therefore, it has been classified as a Variant of Uncertain Significance. Algorithms developed to predict the effect of sequence changes on RNA splicing suggest that this variant may create or strengthen a splice site, but this prediction has not been confirmed by published transcriptional studies. Algorithms developed to predict the effect of missense changes on protein structure and function (SIFT, PolyPhen-2, Align-GVGD) all suggest that this variant is likely to be tolerated, but these predictions have not been confirmed by published functional studies and their clinical significance is uncertain. This variant has not been reported in the literature in individuals with CTRC-related conditions. This variant is not present in population databases (ExAC no frequency). This sequence change replaces methionine with arginine at codon 266 of the CTRC protein (p.Met266Arg). The methionine residue is weakly conserved and there is a moderate physicochemical difference between methionine and arginine.